The following is an entry in ClinVar:

NM_001267550.2(TTN):c.107446T>A (p.Phe35816Ile)

Genes: TTN-AS1 (TTN antisense RNA 1; plus strand), TTN (titin; minus strand). Cytogenetic location: 2q31.2.
Variant type: single nucleotide variant.
Coding change: c.107446T>A on transcript NM_001267550.2 (MANE Select); coding-DNA position 107446, T replaced by A.
Protein change: p.Phe35816Ile; replaces phenylalanine 35816 with isoleucine.
Molecular consequence: missense variant.
Genome position (GRCh38, 1-based): chr2:178,527,680, A>T on the plus strand (T>A on the coding strand, the complement: TTN is on the minus strand). VCF-style: chr2-178527680-A-T. GRCh37 (hg19) VCF-style: chr2-179392407-A-T.
Other names: c.102523T>A, p.Phe34175Ile (NM_001256850.1); c.80251T>A, p.Phe26751Ile (NM_003319.4); c.99742T>A, p.Phe33248Ile (NM_133378.4); c.80626T>A, p.Phe26876Ile (NM_133432.3); c.80827T>A, p.Phe26943Ile (NM_133437.4); short protein forms F33248I, F26876I, F26943I, F35816I, F26751I, F34175I.
Identifiers: ClinVar variation 2127566 (VCV002127566.4), dbSNP rs1687028450, ClinGen allele CA349400917.

ClinVar aggregate classification (germline): Uncertain significance (1 of 4 stars; one submission).

Conditions:
Dilated cardiomyopathy 1G (CMD1G). Identifiers: Orphanet 154, MedGen C1858763, MONDO:0011400, OMIM 604145.
Autosomal recessive limb-girdle muscular dystrophy type 2J (LGMDR10). Also called: Limb-girdle muscular dystrophy, type 2J; MUSCULAR DYSTROPHY, LIMB-GIRDLE, AUTOSOMAL RECESSIVE 10. Identifiers: Orphanet 140922, MedGen C1837342, MONDO:0012127, OMIM 608807.

Submission:

Labcorp Genetics (formerly Invitae), Labcorp
Classification: Uncertain significance for Dilated cardiomyopathy 1G; Autosomal recessive limb-girdle muscular dystrophy type 2J. Last evaluated: 2022-04-18. Review status: criteria provided, single submitter. Criteria: Invitae Variant Classification Sherloc (09022015). Collection method: clinical testing. Allele origin: germline.
Comment: This variant is located in the M band of TTN (PMID: 25589632). Variants in this region may be relevant for neuromuscular disorders, but have not been definitively shown to cause cardiomyopathy (PMID: 23975875). In summary, the available evidence is currently insufficient to determine the role of this variant in disease. Therefore, it has been classified as a Variant of Uncertain Significance. Experimental studies and prediction algorithms are not available or were not evaluated, and the functional significance of this variant is currently unknown. This variant has not been reported in the literature in individuals affected with TTN-related conditions. This variant is not present in population databases (gnomAD no frequency). This sequence change replaces phenylalanine, which is neutral and non-polar, with isoleucine, which is neutral and non-polar, at codon 35816 of the TTN protein (p.Phe35816Ile).

Literature cited by the submitters: PubMed 25589632; PubMed 23975875.